The following is an entry in ClinVar:

ClinVar aggregate classification (germline): Uncertain significance (1 of 4 stars; one submission).

Conditions:
Neuromuscular disease caused by qualitative or quantitative defects of dysferlin. Also called: Qualitative or quantitative defects of dysferlin; Dysferlinopathy. Identifiers: Orphanet 207073, MedGen C2931687, MONDO:0016145.

Allele frequency attached by ClinVar (database versions not stated): gnomAD exomes below 0.00001; TOPMed below 0.00001.
gnomAD v4.1: 2 of 1,614,244 alleles (0.00012%); highest among the groups gnomAD compares: Non-Finnish European, 0.00017%; no homozygotes.

Submission:

Labcorp Genetics (formerly Invitae), Labcorp
Classification: Uncertain significance for Neuromuscular disease caused by qualitative or quantitative defects of dysferlin. Last evaluated: 2020-06-09. Review status: criteria provided, single submitter. Criteria: Invitae Variant Classification Sherloc (09022015). Collection method: clinical testing. Allele origin: germline.
Comment: This sequence change falls in intron 25 of the DYSF gene. It does not directly change the encoded amino acid sequence of the DYSF protein, but it affects a nucleotide within the consensus splice site of the intron. This variant is not present in population databases (ExAC no frequency). In summary, the available evidence is currently insufficient to determine the role of this variant in disease. Therefore, it has been classified as a Variant of Uncertain Significance. Nucleotide substitutions within the consensus splice site are a relatively common cause of aberrant splicing (PMID: 17576681, 9536098). Algorithms developed to predict the effect of sequence changes on RNA splicing suggest that this variant is not likely to affect RNA splicing, but this prediction has not been confirmed by published transcriptional studies. This variant has not been reported in the literature in individuals with DYSF-related conditions.

Literature cited by the submitters: PubMed 17576681; PubMed 9536098.

NM_001130987.2(DYSF):c.2698-3C>T

Gene: DYSF (dysferlin; plus strand). Cytogenetic location: 2p13.2.
Variant type: single nucleotide variant.
Coding change: c.2698-3C>T on transcript NM_001130987.2 (MANE Select); 3 bases into the intron before coding-DNA position 2698, C replaced by T.
Molecular consequence: intron variant.
Genome position (GRCh38, 1-based): chr2:71,568,169, C>T. VCF-style: chr2-71568169-C-T. GRCh37 (hg19) VCF-style: chr2-71795299-C-T.
Other names: c.2737-3C>T (NM_001130979.2); c.2695-3C>T (NM_001130981.2, NM_001130980.2); c.2644-3C>T (NM_001130978.2, NM_003494.4); c.2602-3C>T (NM_001130977.2, NM_001130976.2); c.2740-3C>T (NM_001130982.2); c.2698-3C>T (NM_001130985.2); c.2647-3C>T (NM_001130983.2, NM_001130455.2); c.2605-3C>T (NM_001130984.2, NM_001130986.2).
Identifiers: ClinVar variation 1002118 (VCV001002118.8), dbSNP rs2092221987, ClinGen allele CA1260102781.